The following is an entry in ClinVar:

NM_002834.5(PTPN11):c.1032G>A (p.Met344Ile)

Gene: PTPN11 (protein tyrosine phosphatase non-receptor type 11; plus strand). Cytogenetic location: 12q24.13.
Variant type: single nucleotide variant.
Coding change: c.1032G>A on transcript NM_002834.5 (MANE Select); coding-DNA position 1032, G replaced by A.
Protein change: p.Met344Ile; replaces methionine 344 with isoleucine.
Molecular consequence: missense variant.
Genome position (GRCh38, 1-based): chr12:112,477,955, G>A. VCF-style: chr12-112477955-G-A. GRCh37 (hg19) VCF-style: chr12-112915759-G-A.
Other names: c.1032G>A, p.Met344Ile (NM_001330437.2, NM_080601.3); c.1029G>A, p.Met343Ile (NM_001374625.1); short protein forms M343I, M344I.
Identifiers: ClinVar variation 1188270 (VCV001188270.6), dbSNP rs2038533623, ClinGen allele CA386791503.

ClinVar aggregate classification (germline): Uncertain significance. Review status: criteria provided, multiple submitters, no conflicts (2 of 4 stars). 3 submissions from 3 submitters: Uncertain significance (3). Last evaluated 2025-05-09.

Conditions:
Cardiovascular phenotype. Identifiers: MedGen CN230736.
RASopathy. Also called: rasopathies; Noonan spectrum disorder. Identifiers: Orphanet 536391, MedGen C5555857, MONDO:0021060.

Allele frequency attached by ClinVar (database versions not stated): TOPMed below 0.00001.

Submissions (3):

Ambry Genetics
Classification: Uncertain significance for Cardiovascular phenotype. Last evaluated: 2025-05-09. Review status: criteria provided, single submitter. Criteria: Ambry Variant Classification Scheme 2023. Collection method: clinical testing. Allele origin: germline.
Comment: The p.M344I variant (also known as c.1032G>A), located in coding exon 9 of the PTPN11 gene, results from a G to A substitution at nucleotide position 1032. The methionine at codon 344 is replaced by isoleucine, an amino acid with highly similar properties. This amino acid position is conserved. In addition, this alteration is predicted to be deleterious by in silico analysis. Based on the available evidence, the clinical significance of this variant remains unclear.

Labcorp Genetics (formerly Invitae), Labcorp
Classification: Uncertain significance for RASopathy. Last evaluated: 2024-01-16. Review status: criteria provided, single submitter. Criteria: Invitae Variant Classification Sherloc (09022015). Collection method: clinical testing. Allele origin: germline.
Comment: This sequence change replaces methionine, which is neutral and non-polar, with isoleucine, which is neutral and non-polar, at codon 344 of the PTPN11 protein (p.Met344Ile). This variant is not present in population databases (gnomAD no frequency). This variant has not been reported in the literature in individuals affected with PTPN11-related conditions. ClinVar contains an entry for this variant (Variation ID: 1188270). Advanced modeling of protein sequence and biophysical properties (such as structural, functional, and spatial information, amino acid conservation, physicochemical variation, residue mobility, and thermodynamic stability) performed at Invitae indicates that this missense variant is expected to disrupt PTPN11 protein function with a positive predictive value of 95%. In summary, the available evidence is currently insufficient to determine the role of this variant in disease. Therefore, it has been classified as a Variant of Uncertain Significance.

GeneDx
Classification: Uncertain significance. Last evaluated: 2019-05-07. Review status: criteria provided, single submitter. Criteria: GeneDx Variant Classification Process June 2021. Collection method: clinical testing. Allele origin: germline. Affected: yes.
Comment: Has not been previously published as pathogenic or benign to our knowledge; Not observed in large population cohorts (Lek et al., 2016); In silico analysis, which includes protein predictors and evolutionary conservation, supports a deleterious effect